The following is an entry in ClinVar:

NM_015087.5(SPART):c.272G>A (p.Arg91Lys)

Gene: SPART (spartin; minus strand). Cytogenetic location: 13q13.3.
Variant type: single nucleotide variant.
Coding change: c.272G>A on transcript NM_015087.5 (MANE Select); coding-DNA position 272, G replaced by A.
Protein change: p.Arg91Lys; replaces arginine 91 with lysine.
Molecular consequence: missense variant.
Genome position (GRCh38, 1-based): chr13:36,335,559, C>T on the plus strand (G>A on the coding strand, the complement: SPART is on the minus strand). VCF-style: chr13-36335559-C-T. GRCh37 (hg19) VCF-style: chr13-36909696-C-T.
Other names: c.272G>A, p.Arg91Lys (NM_001142294.2, NM_001142295.2, NM_001142296.2); short protein forms R91K.
Identifiers: ClinVar variation 2768499 (VCV002768499.3), dbSNP rs2137553464, ClinGen allele CA387864267.

ClinVar aggregate classification (germline): Uncertain significance (1 of 4 stars; one submission).

Submission:

Labcorp Genetics (formerly Invitae), Labcorp
Classification: Uncertain significance. Last evaluated: 2024-01-04. Review status: criteria provided, single submitter. Criteria: Invitae Variant Classification Sherloc (09022015). Collection method: clinical testing. Allele origin: germline.
Comment: This sequence change replaces arginine, which is basic and polar, with lysine, which is basic and polar, at codon 91 of the SPART protein (p.Arg91Lys). This variant is not present in population databases (gnomAD no frequency). This variant has not been reported in the literature in individuals affected with SPART-related conditions. Advanced modeling of protein sequence and biophysical properties (such as structural, functional, and spatial information, amino acid conservation, physicochemical variation, residue mobility, and thermodynamic stability) has been performed at Invitae for this missense variant, however the output from this modeling did not meet the statistical confidence thresholds required to predict the impact of this variant on SPART protein function. In summary, the available evidence is currently insufficient to determine the role of this variant in disease. Therefore, it has been classified as a Variant of Uncertain Significance.